The following is an entry in ClinVar:

ClinVar aggregate classification (germline): Conflicting classifications of pathogenicity. Review status: criteria provided, conflicting classifications (1 of 4 stars). 4 submissions from 4 submitters: Uncertain significance (1); Likely benign (3). Last evaluated 2026-09-13.

Conditions:
Autosomal recessive limb-girdle muscular dystrophy type 2J (LGMDR10). Also called: Limb-girdle muscular dystrophy, type 2J; MUSCULAR DYSTROPHY, LIMB-GIRDLE, AUTOSOMAL RECESSIVE 10. Identifiers: Orphanet 140922, MedGen C1837342, MONDO:0012127, OMIM 608807.
Dilated cardiomyopathy 1G (CMD1G). Identifiers: Orphanet 154, MedGen C1858763, MONDO:0011400, OMIM 604145.
Cardiovascular phenotype. Identifiers: MedGen CN230736.

Allele frequency attached by ClinVar (database versions not stated): gnomAD exomes below 0.00001; TOPMed below 0.00001; gnomAD 0.00001.
gnomAD v4.1: 5 of 1,583,770 alleles (0.00032%); highest among the groups gnomAD compares: Middle Eastern, 0.034%; no homozygotes.

Submissions (4):

Ambry Genetics
Classification: Likely benign for Cardiovascular phenotype. Last evaluated: 2026-09-13. Review status: criteria provided, single submitter. Criteria: Ambry Variant Classification Scheme 2023. Collection method: clinical testing. Allele origin: germline.

CeGaT Center for Human Genetics Tuebingen
Classification: Likely benign. Last evaluated: 2025-12-01. Review status: criteria provided, single submitter. Criteria: CeGaT Center For Human Genetics Tuebingen Variant Classification Criteria Version 2. Collection method: clinical testing. Allele origin: germline. Affected: yes. Observed: 2 variant alleles.
Comment: TTN: BP4, BP7

Revvity Omics, Revvity
Classification: Uncertain significance. Last evaluated: 2023-11-03. Review status: criteria provided, single submitter. Criteria: ACMG Guidelines, 2015. Collection method: clinical testing. Allele origin: germline.

Labcorp Genetics (formerly Invitae), Labcorp
Classification: Likely benign for Dilated cardiomyopathy 1G; Autosomal recessive limb-girdle muscular dystrophy type 2J. Last evaluated: 2021-11-09. Review status: criteria provided, single submitter. Criteria: Invitae Variant Classification Sherloc (09022015). Collection method: clinical testing. Allele origin: germline.

NM_001267550.2(TTN):c.94530A>G (p.Pro31510=)

Genes: TTN (titin; minus strand), TTN-AS1 (TTN antisense RNA 1; plus strand). Cytogenetic location: 2q31.2.
Variant type: single nucleotide variant.
Coding change: c.94530A>G on transcript NM_001267550.2 (MANE Select); coding-DNA position 94530, A replaced by G.
Protein change: p.Pro31510=; no amino-acid change (proline 31510 retained).
Molecular consequence: synonymous variant.
Genome position (GRCh38, 1-based): chr2:178,546,898, T>C on the plus strand (A>G on the coding strand, the complement: TTN is on the minus strand). VCF-style: chr2-178546898-T-C. GRCh37 (hg19) VCF-style: chr2-179411625-T-C.
Other names: c.89607A>G, p.Pro29869= (NM_001256850.1); c.67335A>G, p.Pro22445= (NM_003319.4); c.86826A>G, p.Pro28942= (NM_133378.4); c.67710A>G, p.Pro22570= (NM_133432.3); c.67911A>G, p.Pro22637= (NM_133437.4).
Identifiers: ClinVar variation 1080847 (VCV001080847.37), dbSNP rs902954756, ClinGen allele CA60972659.